The following is an entry in ClinVar:

ClinVar aggregate classification (germline): Uncertain significance (1 of 4 stars; one submission).

Conditions:
Primary ciliary dyskinesia. Also called: Ciliary dyskinesia. Identifiers: Orphanet 244, MedGen C0008780, MONDO:0016575, HP:0012265.

Allele frequency attached by ClinVar (database versions not stated): gnomAD exomes below 0.00001; TOPMed 0.00001.
gnomAD v4.1: 2 of 1,613,398 alleles (0.00012%); highest among the groups gnomAD compares: Non-Finnish European, 0.00017%; no homozygotes.

Submission:

Ambry Genetics
Classification: Uncertain significance for Primary ciliary dyskinesia. Last evaluated: 2019-09-30. Review status: criteria provided, single submitter. Criteria: Ambry Variant Classification Scheme 2023. Collection method: clinical testing. Allele origin: germline.
Comment: The p.T3001I variant (also known as c.9002C>T), located in coding exon 54 of the DNAH5 gene, results from a C to T substitution at nucleotide position 9002. The threonine at codon 3001 is replaced by isoleucine, an amino acid with similar properties. This amino acid position is not well conserved in available vertebrate species. In addition, this alteration is predicted to be tolerated by in silico analysis. Since supporting evidence is limited at this time, the clinical significance of this alteration remains unclear.

NM_001369.3(DNAH5):c.9002C>T (p.Thr3001Ile)

Gene: DNAH5 (dynein axonemal heavy chain 5; minus strand). Cytogenetic location: 5p15.2.
Variant type: single nucleotide variant.
Coding change: c.9002C>T on transcript NM_001369.3 (MANE Select); coding-DNA position 9002, C replaced by T.
Protein change: p.Thr3001Ile; replaces threonine 3001 with isoleucine.
Molecular consequence: missense variant.
Genome position (GRCh38, 1-based): chr5:13,777,305, G>A on the plus strand (C>T on the coding strand, the complement: DNAH5 is on the minus strand). VCF-style: chr5-13777305-G-A. GRCh37 (hg19) VCF-style: chr5-13777414-G-A.
Other names: short protein forms T3001I.
Identifiers: ClinVar variation 1765438 (VCV001765438.2), dbSNP rs1296320011, ClinGen allele CA359211084.